The following is an entry in ClinVar:

ClinVar aggregate classification (germline): Uncertain significance. Review status: criteria provided, multiple submitters, no conflicts (2 of 4 stars). 3 submissions from 3 submitters: Uncertain significance (3). Last evaluated 2026-02-27.

Conditions:
Inborn genetic diseases. Identifiers: MedGen C0950123, MeSH D030342.
Myoclonic dystonia 11 (DYT11). Also called: DYT-SGCE; Myoclonic dystonia; Dystonia 11; Dystonia, alcohol responsive; Hereditary essential myoclonus; SGCE Myoclonus-Dystonia. Identifiers: Orphanet 36899, MedGen C1834570, MONDO:0008044, OMIM 159900.

Allele frequency attached by ClinVar (database versions not stated): gnomAD exomes below 0.00001.
gnomAD v4.1: 3 of 1,611,016 alleles (0.00019%); highest among the groups gnomAD compares: East Asian, 0.0022%; no homozygotes.

Submissions (3):

Ambry Genetics
Classification: Uncertain significance for Inborn genetic diseases. Last evaluated: 2026-02-27. Review status: criteria provided, single submitter. Criteria: Ambry Variant Classification Scheme 2023. Collection method: clinical testing. Allele origin: germline.

Labcorp Genetics (formerly Invitae), Labcorp
Classification: Uncertain significance for Myoclonic dystonia 11. Last evaluated: 2024-03-04. Review status: criteria provided, single submitter. Criteria: Invitae Variant Classification Sherloc (09022015). Collection method: clinical testing. Allele origin: germline.
Comment: This sequence change replaces valine, which is neutral and non-polar, with isoleucine, which is neutral and non-polar, at codon 50 of the SGCE protein (p.Val50Ile). This variant is not present in population databases (gnomAD no frequency). This variant has not been reported in the literature in individuals affected with SGCE-related conditions. ClinVar contains an entry for this variant (Variation ID: 624293). Advanced modeling of protein sequence and biophysical properties (such as structural, functional, and spatial information, amino acid conservation, physicochemical variation, residue mobility, and thermodynamic stability) performed at Invitae indicates that this missense variant is not expected to disrupt SGCE protein function with a negative predictive value of 80%. In summary, the available evidence is currently insufficient to determine the role of this variant in disease. Therefore, it has been classified as a Variant of Uncertain Significance.

CeGaT Center for Human Genetics Tuebingen
Classification: Uncertain significance. Last evaluated: 2018-09-01. Review status: criteria provided, single submitter. Criteria: CeGaT Center For Human Genetics Tuebingen Variant Classification Criteria Version 2. Collection method: clinical testing. Allele origin: germline. Affected: yes. Observed: 1 variant allele.

NM_003919.3(SGCE):c.148G>A (p.Val50Ile)

Genes: CASD1 (CAS1 domain sialic acid O acetyltransferase 1; plus strand), SGCE (sarcoglycan epsilon; minus strand). Cytogenetic location: 7q21.3.
Variant type: single nucleotide variant.
Coding change: c.148G>A on transcript NM_003919.3 (MANE Select); coding-DNA position 148, G replaced by A.
Protein change: p.Val50Ile; replaces valine 50 with isoleucine.
Molecular consequence: missense variant. On other transcripts: 5 prime UTR variant (2), intron variant (2).
Genome position (GRCh38, 1-based): chr7:94,629,803, C>T on the plus strand (G>A on the coding strand, the complement: SGCE is on the minus strand). VCF-style: chr7-94629803-C-T. GRCh37 (hg19) VCF-style: chr7-94259115-C-T.
Other names: c.148G>A (NM_003919.2); c.148G>A, p.Val50Ile (NM_001099400.2, NM_001099401.2, NM_001346717.2); c.256G>A, p.Val86Ile (NM_001346713.2, NM_001346715.2); c.61G>A, p.Val21Ile (NM_001346719.2, NM_001362807.2); c.-126G>A (NM_001346720.2, NM_001362808.2); c.110-1444G>A (NM_001362809.2, NM_001301139.2); short protein forms V50I, V86I, V21I.
Identifiers: ClinVar variation 624293 (VCV000624293.47), dbSNP rs1562867795, ClinGen allele CA368239505.